The following is an entry in ClinVar:

NM_002230.4(JUP):c.611G>C (p.Cys204Ser)

Gene: JUP (junction plakoglobin; minus strand). Cytogenetic location: 17q21.2.
Variant type: single nucleotide variant.
Coding change: c.611G>C on transcript NM_002230.4 (MANE Select); coding-DNA position 611, G replaced by C.
Protein change: p.Cys204Ser; replaces cysteine 204 with serine.
Molecular consequence: missense variant.
Genome position (GRCh38, 1-based): chr17:41,769,065, C>G on the plus strand (G>C on the coding strand, the complement: JUP is on the minus strand). VCF-style: chr17-41769065-C-G. GRCh37 (hg19) VCF-style: chr17-39925317-C-G.
Other names: c.611G>C, p.Cys204Ser (NM_001352773.2, NM_001352774.2, NM_001352775.2 and 3 more transcripts); short protein forms C204S.
Identifiers: ClinVar variation 4040984 (VCV004040984.1).

ClinVar aggregate classification (germline): Uncertain significance (1 of 4 stars; one submission).

Conditions:
Cardiovascular phenotype. Identifiers: MedGen CN230736.

Submission:

Ambry Genetics
Classification: Uncertain significance for Cardiovascular phenotype. Last evaluated: 2025-04-07. Review status: criteria provided, single submitter. Criteria: Ambry Variant Classification Scheme 2023. Collection method: clinical testing. Allele origin: germline.
Comment: The p.C204S variant (also known as c.611G>C), located in coding exon 3 of the JUP gene, results from a G to C substitution at nucleotide position 611. The cysteine at codon 204 is replaced by serine, an amino acid with dissimilar properties. This amino acid position is conserved. In addition, the in silico prediction for this alteration is inconclusive. Based on the available evidence, the clinical significance of this variant remains unclear.